The following is an entry in ClinVar:

NM_001080449.3(DNA2):c.158A>G (p.Asn53Ser)

Gene: DNA2 (DNA replication helicase/nuclease 2; minus strand). Cytogenetic location: 10q21.3.
Variant type: single nucleotide variant.
Coding change: c.158A>G on transcript NM_001080449.3 (MANE Select); coding-DNA position 158, A replaced by G.
Protein change: p.Asn53Ser; replaces asparagine 53 with serine.
Molecular consequence: missense variant. On other transcripts: non-coding transcript variant (1).
Genome position (GRCh38, 1-based): chr10:68,470,080, T>C on the plus strand (A>G on the coding strand, the complement: DNA2 is on the minus strand). VCF-style: chr10-68470080-T-C. GRCh37 (hg19) VCF-style: chr10-70229837-T-C.
Other names: short protein forms N53S.
Identifiers: ClinVar variation 2075144 (VCV002075144.4), dbSNP rs781613092, ClinGen allele CA5525365.

ClinVar aggregate classification (germline): Uncertain significance (1 of 4 stars; one submission).

Allele frequency attached by ClinVar (database versions not stated): gnomAD 0.00001; gnomAD exomes 0.00001; TOPMed 0.00002; ExAC 0.00003.
gnomAD v4.1: 21 of 1,613,786 alleles (0.0013%); highest among the groups gnomAD compares: Admixed American, 0.032%; no homozygotes.

Submission:

Labcorp Genetics (formerly Invitae), Labcorp
Classification: Uncertain significance. Last evaluated: 2025-12-08. Review status: criteria provided, single submitter. Criteria: Invitae Variant Classification Sherloc (09022015). Collection method: clinical testing. Allele origin: germline.
Comment: This sequence change replaces asparagine, which is neutral and polar, with serine, which is neutral and polar, at codon 53 of the DNA2 protein (p.Asn53Ser). This variant is present in population databases (rs781613092, gnomAD 0.04%). This variant has not been reported in the literature in individuals affected with DNA2-related conditions. ClinVar contains an entry for this variant (Variation ID: 2075144). Invitae Evidence Modeling of protein sequence and biophysical properties (such as structural, functional, and spatial information, amino acid conservation, physicochemical variation, residue mobility, and thermodynamic stability) indicates that this missense variant is not expected to disrupt DNA2 protein function with a negative predictive value of 80%. In summary, the available evidence is currently insufficient to determine the role of this variant in disease. Therefore, it has been classified as a Variant of Uncertain Significance.